The following is an entry in ClinVar:

ClinVar aggregate classification (germline): Uncertain significance. Review status: criteria provided, multiple submitters, no conflicts (2 of 4 stars). 2 submissions from 2 submitters: Uncertain significance (2). Last evaluated 2025-08-31.

Conditions:
Hereditary cancer-predisposing syndrome. Also called: Neoplastic Syndromes, Hereditary; Tumor predisposition; Hereditary Cancer Syndrome; Hereditary neoplastic syndrome. Identifiers: Orphanet 140162, MedGen C0027672, MeSH D009386, MONDO:0015356.

Allele frequency attached by ClinVar (database versions not stated): TOPMed below 0.00001.

Submissions (2):

Ambry Genetics
Classification: Uncertain significance for Hereditary cancer-predisposing syndrome. Last evaluated: 2025-08-31. Review status: criteria provided, single submitter. Criteria: Ambry Variant Classification Scheme 2023. Collection method: clinical testing. Allele origin: germline.
Comment: The p.R1002K variant (also known as c.3005G>A), located in coding exon 19 of the RAD50 gene, results from a G to A substitution at nucleotide position 3005. The arginine at codon 1002 is replaced by lysine, an amino acid with highly similar properties. This amino acid position is conserved. In addition, this alteration is predicted to be tolerated by in silico analysis. Since supporting evidence is limited at this time, the clinical significance of this alteration remains unclear.

Labcorp Genetics (formerly Invitae), Labcorp
Classification: Uncertain significance for Hereditary cancer-predisposing syndrome. Last evaluated: 2022-11-10. Review status: criteria provided, single submitter. Criteria: Invitae Variant Classification Sherloc (09022015). Collection method: clinical testing. Allele origin: germline.
Comment: In summary, the available evidence is currently insufficient to determine the role of this variant in disease. Therefore, it has been classified as a Variant of Uncertain Significance. Advanced modeling of protein sequence and biophysical properties (such as structural, functional, and spatial information, amino acid conservation, physicochemical variation, residue mobility, and thermodynamic stability) performed at Invitae indicates that this missense variant is not expected to disrupt RAD50 protein function. ClinVar contains an entry for this variant (Variation ID: 457428). This variant has not been reported in the literature in individuals affected with RAD50-related conditions. This variant is not present in population databases (gnomAD no frequency). This sequence change replaces arginine, which is basic and polar, with lysine, which is basic and polar, at codon 1002 of the RAD50 protein (p.Arg1002Lys).

NM_005732.4(RAD50):c.3005G>A (p.Arg1002Lys)

Gene: RAD50 (RAD50 double strand break repair protein; plus strand). Cytogenetic location: 5q31.1.
Variant type: single nucleotide variant.
Coding change: c.3005G>A on transcript NM_005732.4 (MANE Select); coding-DNA position 3005, G replaced by A.
Protein change: p.Arg1002Lys; replaces arginine 1002 with lysine.
Molecular consequence: missense variant.
Genome position (GRCh38, 1-based): chr5:132,609,365, G>A. VCF-style: chr5-132609365-G-A. GRCh37 (hg19) VCF-style: chr5-131945057-G-A.
Other names: short protein forms R1002K.
Identifiers: ClinVar variation 457428 (VCV000457428.12), dbSNP rs1554099396, ClinGen allele CA360960893.